The following is an entry in ClinVar:

ClinVar aggregate classification (germline): Uncertain significance. Review status: criteria provided, single submitter (1 of 4 stars). 2 submissions from 2 submitters: Uncertain significance (1). 1 of the submissions does not count toward it. Last evaluated 2024-03-29.

Conditions:
Polycystic kidney disease, adult type (PKD1). Also called: POLYCYSTIC KIDNEY DISEASE, ADULT, TYPE I; Polycystic Kidney Disease 1, Autosomal Dominant; Polycystic kidney disease 1; Polycystic kidney disease 1, severe; Polycystic Kidney, Autosomal Dominant; POLYCYSTIC KIDNEY DISEASE 1 WITH OR WITHOUT POLYCYSTIC LIVER DISEASE. Identifiers: MedGen C3149841, MONDO:0008263, OMIM 173900.
Polycystic kidney disease. Also called: Polycystic kidney dysplasia; Kidney, Polycystic. Identifiers: MedGen C0022680, MeSH D007690, MONDO:0020642, HP:0000113.

Submissions (2):

Genomic Medicine Center of Excellence, King Faisal Specialist Hospital and Research Centre
Classification: Uncertain significance for Polycystic kidney disease, adult type. Last evaluated: 2024-03-29. Review status: criteria provided, single submitter. Criteria: ACMG Guidelines, 2015. Collection method: clinical testing. Allele origin: germline.

Department of Pathology and Laboratory Medicine, Sinai Health System
Classification: Uncertain significance for Polycystic Kidney disease. Review status: no assertion criteria provided. Collection method: clinical testing. Allele origin: unknown. Affected: yes. Study: The Canadian Open Genetics Repository (COGR). Not counted in ClinVar's aggregate classification.
Comment: The PKD1 p.Cys813Phe variant was not identified in the literature nor was it identified in the dbSNP, ClinVar, LOVD 3.0, ADPKD Mutation Database, or PKD1-LOVD databases. The variant was not identified in the following control databases: the Exome Aggregation Consortium (August 8th 2016), or the Genome Aggregation Database (Feb 27, 2017). The p.Cys813 residue is conserved across mammals and other organisms, and computational analyses (PolyPhen-2, SIFT, AlignGVGD, BLOSUM, MutationTaster) suggest that the variant may impact the protein; however, this information is not predictive enough to assume pathogenicity. The variant occurs outside of the splicing consensus sequence and 2 of 4 in silico or computational prediction software programs (SpliceSiteFinder, MaxEntScan, NNSPLICE, GeneSplicer) predict a greater than 10% difference in splicing; this is not very predictive of pathogenicity. In summary, based on the above information the clinical significance of this variant cannot be determined with certainty at this time. This variant is classified as a variant of uncertain significance.

NM_001009944.3(PKD1):c.2438G>T (p.Cys813Phe)

Gene: PKD1 (polycystin 1, transient receptor potential channel interacting; minus strand). Cytogenetic location: 16p13.3.
Variant type: single nucleotide variant.
Coding change: c.2438G>T on transcript NM_001009944.3 (MANE Select); coding-DNA position 2438, G replaced by T.
Protein change: p.Cys813Phe; replaces cysteine 813 with phenylalanine.
Molecular consequence: missense variant.
Genome position (GRCh38, 1-based): chr16:2,114,585, C>A on the plus strand (G>T on the coding strand, the complement: PKD1 is on the minus strand). VCF-style: chr16-2114585-C-A. GRCh37 (hg19) VCF-style: chr16-2164586-C-A.
Other names: c.2438G>T, p.Cys813Phe (NM_000296.4); short protein forms C813F.
Identifiers: ClinVar variation 997200 (VCV000997200.2), dbSNP rs2092598008, ClinGen allele CA394387842.